The following is an entry in ClinVar:

ClinVar aggregate classification (germline): Conflicting classifications of pathogenicity. Review status: criteria provided, conflicting classifications (1 of 4 stars). 2 submissions from 2 submitters: Uncertain significance (1); Likely benign (1). Last evaluated 2025-06-03.

Conditions:
Hereditary spastic paraplegia 30. Identifiers: Orphanet 101010, MedGen C5235139, MONDO:0012476.
Neuropathy, hereditary sensory, type 2C. Also called: Hereditary sensory and autonomic neuropathy type IIC; KIF1A-Related HSAN2 (HSAN2C). Identifiers: Orphanet 970, MedGen C3280168, MONDO:0013634, OMIM 614213.
Intellectual disability, autosomal dominant 9 (NESCAVS). Also called: NESCAV SYNDROME; KIF1A-Related Neurodevelopmental Disorder. Identifiers: Orphanet 662367, MedGen C5393830, MONDO:0013656, OMIM 614255.

Allele frequency attached by ClinVar (database versions not stated): ExAC 0.00002; gnomAD 0.00002 and 0.00001; gnomAD exomes 0.00003 and 0.00001; 1000 Genomes Project 0.00020; 1000 Genomes Project 30x 0.00031; TOPMed below 0.00001.
gnomAD v4.1: 12 of 1,613,380 alleles (0.00074%); highest among the groups gnomAD compares: African/African-American, 0.0053%; no homozygotes.

Submissions (2):

Labcorp Genetics (formerly Invitae), Labcorp
Classification: Likely benign for Hereditary spastic paraplegia 30; Neuropathy, hereditary sensory, type 2C; Intellectual disability, autosomal dominant 9. Last evaluated: 2025-06-03. Review status: criteria provided, single submitter. Criteria: Invitae Variant Classification Sherloc (09022015). Collection method: clinical testing. Allele origin: germline.

GeneDx
Classification: Uncertain significance. Last evaluated: 2023-01-22. Review status: criteria provided, single submitter. Criteria: GeneDx Variant Classification Process June 2021. Collection method: clinical testing. Allele origin: germline. Affected: yes.
Comment: In silico analysis supports that this missense variant has a deleterious effect on protein structure/function; Has not been previously published as pathogenic or benign to our knowledge; This variant is associated with the following publications: (PMID: 26125038, 21820098, 21376300)

NM_001244008.2(KIF1A):c.398C>T (p.Thr133Met)

Gene: KIF1A (kinesin family member 1A; minus strand). Cytogenetic location: 2q37.3.
Variant type: single nucleotide variant.
Coding change: c.398C>T on transcript NM_001244008.2 (MANE Select); coding-DNA position 398, C replaced by T.
Protein change: p.Thr133Met; replaces threonine 133 with methionine.
Molecular consequence: missense variant.
Genome position (GRCh38, 1-based): chr2:240,787,282, G>A on the plus strand (C>T on the coding strand, the complement: KIF1A is on the minus strand). VCF-style: chr2-240787282-G-A. GRCh37 (hg19) VCF-style: chr2-241726699-G-A.
Other names: c.398C>T, p.Thr133Met (NM_001320705.2, NM_001330289.2, NM_001330290.2 and 20 more transcripts); short protein forms T133M.
Identifiers: ClinVar variation 1410495 (VCV001410495.7), dbSNP rs548452545, ClinGen allele CA2208799.